The following is an entry in ClinVar:

NM_005477.3(HCN4):c.3461G>A (p.Arg1154Gln)

Gene: HCN4 (hyperpolarization activated cyclic nucleotide gated potassium channel 4; minus strand). Cytogenetic location: 15q24.1.
Variant type: single nucleotide variant.
Coding change: c.3461G>A on transcript NM_005477.3 (MANE Select); coding-DNA position 3461, G replaced by A.
Protein change: p.Arg1154Gln; replaces arginine 1154 with glutamine.
Molecular consequence: missense variant.
Genome position (GRCh38, 1-based): chr15:73,322,632, C>T on the plus strand (G>A on the coding strand, the complement: HCN4 is on the minus strand). VCF-style: chr15-73322632-C-T. GRCh37 (hg19) VCF-style: chr15-73614973-C-T.
Other names: short protein forms R1154Q.
Identifiers: ClinVar variation 191450 (VCV000191450.21), dbSNP rs145862018, ClinGen allele CA236697.
Genomic context (GRCh38, chr15:73,322,632, plus strand): 5'-GAGGTGGCTCTTGCCCCAAACAAAGACAGAGGGGGTGGCAAAGAACCTGAGGATGTCTTC[C>T]GAGGCAGAGTGACGTGCTGGCCGGGGATGGCACCATAGGGCCTCCCAGGGGGACCGAGGC-3'
Protein context (NP_005468.1, residues 1144-1164): AIPGQHVTLP[Arg1154Gln]KTSSGSLPPP

ClinVar aggregate classification (germline): Conflicting classifications of pathogenicity. Review status: criteria provided, conflicting classifications (1 of 4 stars). 5 submissions from 5 submitters: Uncertain significance (3); Likely benign (2). Last evaluated 2025-12-14.

Conditions:
Cardiovascular phenotype. Identifiers: MedGen CN230736.
Brugada syndrome 8 (BRGDA8). Identifiers: Orphanet 130, MedGen C2751083, MONDO:0013148, OMIM 613123.

Allele frequency attached by ClinVar (database versions not stated): gnomAD exomes 0.00005 and 0.00009; TOPMed 0.00005; gnomAD 0.00006; ExAC 0.00010; ESP Exome Variant Server 0.00015.
gnomAD v4.1: 84 of 1,611,376 alleles (0.0052%); highest among the groups gnomAD compares: South Asian, 0.0066%; no homozygotes.

Submissions (5):

Labcorp Genetics (formerly Invitae), Labcorp
Classification: Likely benign for Brugada syndrome 8. Last evaluated: 2025-12-14. Review status: criteria provided, single submitter. Criteria: Invitae Variant Classification Sherloc (09022015). Collection method: clinical testing. Allele origin: germline.

CeGaT Center for Human Genetics Tuebingen
Classification: Likely benign. Last evaluated: 2025-10-01. Review status: criteria provided, single submitter. Criteria: CeGaT Center For Human Genetics Tuebingen Variant Classification Criteria Version 2. Collection method: clinical testing. Allele origin: germline. Affected: yes. Observed: 1 variant allele.
Comment: HCN4: BS2

Ambry Genetics
Classification: Uncertain significance for Cardiovascular phenotype. Last evaluated: 2025-08-03. Review status: criteria provided, single submitter. Criteria: Ambry Variant Classification Scheme 2023. Collection method: clinical testing. Allele origin: germline.
Comment: The p.R1154Q variant (also known as c.3461G>A), located in coding exon 8 of the HCN4 gene, results from a G to A substitution at nucleotide position 3461. The arginine at codon 1154 is replaced by glutamine, an amino acid with highly similar properties. This amino acid position is well conserved in available vertebrate species; however, glutamine is the reference amino acid in other vertebrate species. In addition, the in silico prediction for this alteration is inconclusive. Since supporting evidence is limited at this time, the clinical significance of this alteration remains unclear.

GeneDx
Classification: Uncertain significance. Last evaluated: 2020-01-31. Review status: criteria provided, single submitter. Criteria: GeneDx Variant Classification Process June 2021. Collection method: clinical testing. Allele origin: germline. Affected: yes.
Comment: Has not been previously published as pathogenic or benign to our knowledge; Reported in ClinVar as a variant of uncertain significance (ClinVar Variant ID# 191450; Landrum et al., 2016); In silico analysis supports that this missense variant does not alter protein structure/function

Biesecker Lab/Clinical Genomics Section, National Institutes of Health
Classification: Uncertain significance. Last evaluated: 2013-06-24. Review status: criteria provided, single submitter. Criteria: Ng et al. (Circ Cardiovasc Genet. 2013). Collection method: research. Allele origin: unknown. Observed: 1 variant allele. Study: ClinSeq.
Comment: The study set was not selected for affection status in relation to any cancer. Pathogenicity categories were based on literature curation. See Pubmed ID:23861362 for details.

Medical sequencing